The following is an entry in ClinVar:

ClinVar aggregate classification (germline): Uncertain significance (1 of 4 stars; one submission).

Conditions:
Cardiovascular phenotype. Identifiers: MedGen CN230736.

gnomAD v4.1: 1 of 1,613,628 alleles (0.000062%); highest among the groups gnomAD compares: African/African-American, 0.0013%; no homozygotes.

Submission:

Ambry Genetics
Classification: Uncertain significance for Cardiovascular phenotype. Last evaluated: 2021-07-29. Review status: criteria provided, single submitter. Criteria: Ambry Variant Classification Scheme 2023. Collection method: clinical testing. Allele origin: germline.
Comment: The c.1336+4G>A intronic variant results from a G to A substitution 4 nucleotides after coding exon 10 in the LAMA4 gene. This nucleotide position is not well conserved in available vertebrate species. In silico splice site analysis predicts that this alteration will not have any significant effect on splicing. Since supporting evidence is limited at this time, the clinical significance of this alteration remains unclear.

NM_001105206.3(LAMA4):c.1357+4G>A

Gene: LAMA4 (laminin subunit alpha 4; minus strand). Cytogenetic location: 6q21.
Variant type: single nucleotide variant.
Coding change: c.1357+4G>A on transcript NM_001105206.3 (MANE Select); 4 bases into the intron after coding-DNA position 1357, G replaced by A.
Molecular consequence: intron variant.
Genome position (GRCh38, 1-based): chr6:112,175,309, C>T on the plus strand (G>A on the coding strand, the complement: LAMA4 is on the minus strand). VCF-style: chr6-112175309-C-T. GRCh37 (hg19) VCF-style: chr6-112496511-C-T.
Other names: c.1336+4G>A (NM_002290.5, NM_001105207.3).
Identifiers: ClinVar variation 1770238 (VCV001770238.2), dbSNP rs6917763, ClinGen allele CA570037650.